The following is an entry in ClinVar:

NM_016292.3(TRAP1):c.757A>G (p.Ile253Val)

Gene: TRAP1 (TNF receptor associated protein 1; minus strand). Cytogenetic location: 16p13.3.
Variant type: single nucleotide variant.
Coding change: c.757A>G on transcript NM_016292.3 (MANE Select); coding-DNA position 757, A replaced by G.
Protein change: p.Ile253Val; replaces isoleucine 253 with valine.
Molecular consequence: missense variant.
Genome position (GRCh38, 1-based): chr16:3,676,093, T>C on the plus strand (A>G on the coding strand, the complement: TRAP1 is on the minus strand). VCF-style: chr16-3676093-T-C. GRCh37 (hg19) VCF-style: chr16-3726094-T-C.
Other names: c.598A>G, p.Ile200Val (NM_001272049.2); short protein forms I253V, I200V.
Identifiers: ClinVar variation 559155 (VCV000559155.59), dbSNP rs113476582, ClinGen allele CA7868510.

ClinVar aggregate classification (germline): Benign/Likely benign. Review status: criteria provided, multiple submitters, no conflicts (2 of 4 stars). 5 submissions from 5 submitters: Benign (2); Likely benign (1). 2 of the submissions do not count toward it. Last evaluated 2026-03-01.

Conditions:
TRAP1-related disorder. Also called: TRAP1-related condition.

Allele frequency attached by ClinVar (database versions not stated): 1000 Genomes Project 30x 0.00234; 1000 Genomes Project 0.00280; TOPMed 0.00355; gnomAD 0.00515 and 0.00536; ExAC 0.00599; gnomAD exomes 0.00606 and 0.00714; ESP Exome Variant Server 0.00616.
gnomAD v4.1: 11,061 of 1,613,832 alleles (0.69%); highest among the groups gnomAD compares: Non-Finnish European, 0.77%; 52 homozygotes.

Submissions (5):

CeGaT Center for Human Genetics Tuebingen
Classification: Benign. Last evaluated: 2026-03-01. Review status: criteria provided, single submitter. Criteria: CeGaT Center For Human Genetics Tuebingen Variant Classification Criteria Version 2. Collection method: clinical testing. Allele origin: germline. Affected: yes. Observed: 6 variant alleles.
Comment: TRAP1: BS1, BS2

Labcorp Genetics (formerly Invitae), Labcorp
Classification: Benign. Last evaluated: 2025-12-27. Review status: criteria provided, single submitter. Criteria: Invitae Variant Classification Sherloc (09022015). Collection method: clinical testing. Allele origin: germline.

GeneDx
Classification: Likely benign. Last evaluated: 2020-07-15. Review status: criteria provided, single submitter. Criteria: GeneDx Variant Classification Process June 2021. Collection method: clinical testing. Allele origin: germline. Affected: yes.
Comment: See Variant Classification Assertion Criteria.

PreventionGenetics, part of Exact Sciences
Classification: Likely benign for TRAP1-related condition. Last evaluated: 2019-05-20. Review status: no assertion criteria provided. Collection method: clinical testing. Allele origin: germline. Not counted in ClinVar's aggregate classification.
Comment: This variant is classified as likely benign based on ACMG/AMP sequence variant interpretation guidelines (Richards et al. 2015 PMID: 25741868, with internal and published modifications).

Mayo Clinic Laboratories, Mayo Clinic
Classification: Likely benign. Last evaluated: 2016-02-25. Review status: no assertion criteria provided. Collection method: clinical testing. Allele origin: unknown. Not counted in ClinVar's aggregate classification.